The following is an entry in ClinVar:

ClinVar aggregate classification (germline): Pathogenic (1 of 4 stars; one submission).

Submission:

Labcorp Genetics (formerly Invitae), Labcorp
Classification: Pathogenic. Last evaluated: 2022-10-24. Review status: criteria provided, single submitter. Criteria: Invitae Variant Classification Sherloc (09022015). Collection method: clinical testing. Allele origin: germline.
Comment: This variant is a gross deletion of the genomic region encompassing exon(s) 32 of the EYS gene. This variant would be expected to be in-frame, preserving the integrity of the reading frame. A similar copy number variant has been observed in individuals with retinitis pigmentosa (PMID: 22363543; Invitae). This variant disrupts the p.Gly2186 amino acid residue in EYS. Other variant(s) that disrupt this residue have been determined to be pathogenic (PMID: 20237254, 25356976, 29625443). This suggests that this residue is clinically significant, and that variants that disrupt this residue are likely to be disease-causing. For these reasons, this variant has been classified as Pathogenic.

Literature cited by the submitters: PubMed 22363543; PubMed 20237254; PubMed 25356976; PubMed 29625443.

NC_000006.11:g.(?_64791739)_(64791905_?)del

Gene: EYS (eyes shut homolog; minus strand). Cytogenetic location: 6q12.
Variant type: Deletion.
Identifiers: ClinVar variation 1076618 (VCV001076618.2).